The following is an entry in ClinVar:

ClinVar aggregate classification (germline): Conflicting classifications of pathogenicity. Review status: criteria provided, conflicting classifications (1 of 4 stars). 3 submissions from 3 submitters: Likely pathogenic (2); Uncertain significance (1). Last evaluated 2026-03-30.

Conditions:
Hereditary breast ovarian cancer syndrome. Also called: Hereditary breast and ovarian cancer; Hereditary breast and ovarian cancer syndrome (HBOC); Breast and ovarian cancer; Hereditary breast and/or ovarian cancer syndrome; BRCA1- and BRCA2-Associated Hereditary Breast and Ovarian Cancer; Hereditary breast and ovarian cancer syndrome. Identifiers: Orphanet 145, MedGen C0677776, MeSH D061325, MONDO:0003582. Disease mechanism: loss of function.
Hereditary cancer-predisposing syndrome. Also called: Neoplastic Syndromes, Hereditary; Tumor predisposition; Hereditary Cancer Syndrome; Hereditary neoplastic syndrome. Identifiers: Orphanet 140162, MedGen C0027672, MeSH D009386, MONDO:0015356.

Submissions (4):

Ambry Genetics
Classification: Likely pathogenic for Hereditary cancer-predisposing syndrome. Last evaluated: 2026-03-30. Review status: criteria provided, single submitter. Criteria: Ambry Variant Classification Scheme 2023. Collection method: clinical testing. Allele origin: germline.
Comment: The p.G98V variant (also known as c.293G>T), located in coding exon 4 of the BRCA1 gene, results from a G to T substitution at nucleotide position 293. The glycine at codon 98 is replaced by valine, an amino acid with dissimilar properties. One functional study found that this nucleotide substitution is non-functional in a high throughput genome editing haploid cell survival assay (Findlay GM et al. Nature, 2018 Oct;562:217-222). This amino acid position is highly conserved in available vertebrate species. In addition, this alteration is predicted to be deleterious by in silico analysis. This variant is considered to be rare based on population cohorts in the Genome Aggregation Database (gnomAD). Based on the majority of available evidence to date, this variant is likely to be pathogenic.

Women's Health and Genetics/Laboratory Corporation of America, LabCorp
Classification: Likely pathogenic for Hereditary breast ovarian cancer syndrome. Last evaluated: 2025-07-17. Review status: criteria provided, single submitter. Criteria: LabCorp Variant Classification Summary - May 2015. Collection method: clinical testing. Allele origin: germline.
Comment: Variant summary: BRCA1 c.293G>T (p.Gly98Val) results in a non-conservative amino acid change in the encoded protein sequence. Algorithms developed to predict the effect of missense changes on protein structure and function are either unavailable or do not agree on the potential impact of this missense change. The variant was absent in 251214 control chromosomes. c.293G>T has been observed in individuals undergoing BRCA1/2 testing who were either affected with or at high risk for Hereditary Breast And Ovarian Cancer Syndrome-related cancers (e.g. Herzog_2021). At least two publications report experimental evidence evaluating an impact on protein function and showed a damaging effect of this variant on homology directed repair (HDR) activity (Findlay_2018) and an abolishment of the ability of BRCA1 to interact with UbcH5a (Caleca_2019). The following publications have been ascertained in the context of this evaluation (PMID: 30696104, 30209399, 34413315). ClinVar contains an entry for this variant (Variation ID: 868360). Based on the evidence outlined above, the variant was classified as likely pathogenic.

Labcorp Genetics (formerly Invitae), Labcorp
Classification: Uncertain significance for Hereditary breast ovarian cancer syndrome. Last evaluated: 2022-04-24. Review status: criteria provided, single submitter. Criteria: Invitae Variant Classification Sherloc (09022015). Collection method: clinical testing. Allele origin: germline.
Comment: Advanced modeling of experimental studies (such as gene expression, population dynamics, functional pathways, and cell-cycle effects in cell culture) performed at Invitae indicates that this missense variant is expected to disrupt BRCA1 protein function. ClinVar contains an entry for this variant (Variation ID: 868360). This variant has not been reported in the literature in individuals affected with BRCA1-related conditions. This variant is not present in population databases (gnomAD no frequency). This sequence change replaces glycine, which is neutral and non-polar, with valine, which is neutral and non-polar, at codon 98 of the BRCA1 protein (p.Gly98Val). Experimental studies have shown that this missense change affects BRCA1 function (PMID: 30209399). In summary, the available evidence is currently insufficient to determine the role of this variant in disease. Therefore, it has been classified as a Variant of Uncertain Significance. Algorithms developed to predict the effect of sequence changes on RNA splicing suggest that this variant may disrupt the consensus splice site.

Brotman Baty Institute, University of Washington
No classification provided (evidence only). Condition: Breast-ovarian cancer, familial 1. Review status: no classification provided. Collection method: in vitro. Allele origin: not applicable. Functional consequence: functionally_abnormal. Not counted in ClinVar's aggregate classification.
ClinVar note: "not provided" was previously submitted as the classification for the variant. However, the classification appeared to be based only on an observation of functional data so it was converted to no classification on 2025-07-30.

Literature cited by the submitters: PubMed 30209399 (cited by 3 submitters); PubMed 30696104 (cited by Women's Health and Genetics/Laboratory Corporation of America, LabCorp); PubMed 34413315 (cited by Women's Health and Genetics/Laboratory Corporation of America, LabCorp).

NM_007294.4(BRCA1):c.293G>T (p.Gly98Val)

Gene: BRCA1 (BRCA1 DNA repair associated; minus strand). Cytogenetic location: 17q21.31.
Variant type: single nucleotide variant.
Coding change: c.293G>T on transcript NM_007294.4 (MANE Select); coding-DNA position 293, G replaced by T.
Protein change: p.Gly98Val; replaces glycine 98 with valine.
Molecular consequence: missense variant. On other transcripts: non-coding transcript variant (1).
Genome position (GRCh38, 1-based): chr17:43,104,876, C>A on the plus strand (G>T on the coding strand, the complement: BRCA1 is on the minus strand). VCF-style: chr17-43104876-C-A. GRCh37 (hg19) VCF-style: chr17-41256893-C-A.
Other names: c.293G>T, p.Gly98Val (NM_001407991.1, NM_001407992.1, NM_001407993.1 and 165 more transcripts); c.215G>T, p.Gly72Val (NM_001408409.1, NM_001408411.1, NM_001408412.1 and 21 more transcripts); c.152G>T, p.Gly51Val (NM_001408410.1, NM_001408452.1, NM_001408453.1 and 99 more transcripts); c.161G>T, p.Gly54Val (NM_001408451.1); c.83G>T, p.Gly28Val (NM_001408478.1, NM_001408479.1, NM_001408480.1 and 58 more transcripts); c.-89G>T (NM_001408510.1, NM_001408512.1, NM_001407959.1 and 4 more transcripts); short protein forms G98V, G51V, G54V, G28V, G72V.
Identifiers: ClinVar variation 868360 (VCV000868360.11), dbSNP rs2054671671, ClinGen allele CA10601568.